The following is an entry in ClinVar:

ClinVar aggregate classification (germline): Conflicting classifications of pathogenicity. Review status: criteria provided, conflicting classifications (1 of 4 stars). 2 submissions from 2 submitters: Uncertain significance (1); Likely benign (1). Last evaluated 2025-07-01.

Allele frequency attached by ClinVar (database versions not stated): gnomAD exomes 0.00011; ExAC 0.00017; TOPMed 0.00019; gnomAD 0.00023; 1000 Genomes Project 30x 0.00031.
gnomAD v4.1: 212 of 1,610,766 alleles (0.013%); highest among the groups gnomAD compares: Middle Eastern, 0.15%; no homozygotes.

Submissions (2):

CeGaT Center for Human Genetics Tuebingen
Classification: Likely benign. Last evaluated: 2025-07-01. Review status: criteria provided, single submitter. Criteria: CeGaT Center For Human Genetics Tuebingen Variant Classification Criteria Version 2. Collection method: clinical testing. Allele origin: germline. Affected: yes. Observed: 1 variant allele.
Comment: CELSR1: BP4

Ambry Genetics
Classification: Uncertain significance. Last evaluated: 2022-12-15. Review status: criteria provided, single submitter. Criteria: Ambry Variant Classification Scheme 2023. Collection method: clinical testing. Allele origin: germline.

NM_001378328.1(CELSR1):c.1175T>C (p.Val392Ala)

Gene: CELSR1 (cadherin EGF LAG seven-pass G-type receptor 1; minus strand). Cytogenetic location: 22q13.31.
Variant type: single nucleotide variant.
Coding change: c.1175T>C on transcript NM_001378328.1 (MANE Select); coding-DNA position 1175, T replaced by C.
Protein change: p.Val392Ala; replaces valine 392 with alanine.
Molecular consequence: missense variant.
Genome position (GRCh38, 1-based): chr22:46,535,996, A>G on the plus strand (T>C on the coding strand, the complement: CELSR1 is on the minus strand). VCF-style: chr22-46535996-A-G. GRCh37 (hg19) VCF-style: chr22-46931893-A-G.
Other names: c.1175T>C, p.Val392Ala (NM_014246.4); short protein forms V392A.
Identifiers: ClinVar variation 2406229 (VCV002406229.10), dbSNP rs748635750, ClinGen allele CA10295528.